The following is an entry in ClinVar:

NM_001457.4(FLNB):c.1773G>A (p.Gln591=)

Gene: FLNB (filamin B; plus strand). Cytogenetic location: 3p14.3.
Variant type: single nucleotide variant.
Coding change: c.1773G>A on transcript NM_001457.4 (MANE Select); coding-DNA position 1773, G replaced by A.
Protein change: p.Gln591=; no amino-acid change (glutamine 591 retained).
Molecular consequence: synonymous variant.
Genome position (GRCh38, 1-based): chr3:58,106,705, G>A. VCF-style: chr3-58106705-G-A. GRCh37 (hg19) VCF-style: chr3-58092432-G-A.
Other names: c.1773G>A, p.Gln591= (NM_001164317.2, NM_001164318.2, NM_001164319.2).
Identifiers: ClinVar variation 3355010 (VCV003355010.1).

ClinVar aggregate classification (germline): Likely benign (0 of 4 stars; one submission).

Conditions:
FLNB-related disorder. Also called: FLNB-related disorders; FLNB-related condition. Identifiers: MedGen CN381095.

gnomAD v4.1: 1 of 1,614,172 alleles (0.000062%); highest among the groups gnomAD compares: African/African-American, 0.0013%; no homozygotes.

Submission:

PreventionGenetics, part of Exact Sciences
Classification: Likely benign for FLNB-related condition. Last evaluated: 2019-09-17. Review status: no assertion criteria provided. Collection method: clinical testing. Allele origin: germline.
Comment: This variant is classified as likely benign based on ACMG/AMP sequence variant interpretation guidelines (Richards et al. 2015 PMID: 25741868, with internal and published modifications).